The following is an entry in ClinVar:

NM_001258392.3(CLPB):c.343A>C (p.Met115Leu)

Gene: CLPB (ClpB family mitochondrial disaggregase; minus strand). Cytogenetic location: 11q13.4.
Variant type: single nucleotide variant.
Coding change: c.343A>C on transcript NM_001258392.3 (MANE Select); coding-DNA position 343, A replaced by C.
Protein change: p.Met115Leu; replaces methionine 115 with leucine.
Molecular consequence: missense variant.
Genome position (GRCh38, 1-based): chr11:72,434,132, T>G on the plus strand (A>C on the coding strand, the complement: CLPB is on the minus strand). VCF-style: chr11-72434132-T-G. GRCh37 (hg19) VCF-style: chr11-72145176-T-G.
Other names: c.343A>C, p.Met115Leu (NM_001258393.3, NM_030813.6); c.101A>C, p.His34Pro (NM_001258394.3); short protein forms H34P, M115L.
Identifiers: ClinVar variation 2726928 (VCV002726928.3), dbSNP rs755190312, ClinGen allele CA6171624.

ClinVar aggregate classification (germline): Uncertain significance (1 of 4 stars; one submission).

Conditions:
3-methylglutaconic aciduria, type VIIB (MGCA7B). Also called: CLPB Deficiency; 3-methylglutaconic aciduria, type VII, with cataracts, neurologic involvement and neutropenia; 3-methylglutaconic aciduria with cataracts, neurologic involvement and neutropenia. Identifiers: Orphanet 445038, MedGen C5676893, MONDO:0014561, OMIM 616271.

Allele frequency attached by ClinVar (database versions not stated): gnomAD exomes below 0.00001; ExAC 0.00001; gnomAD 0.00003; TOPMed 0.00006.

Submission:

Labcorp Genetics (formerly Invitae), Labcorp
Classification: Uncertain significance for 3-methylglutaconic aciduria, type VIIB. Last evaluated: 2022-12-20. Review status: criteria provided, single submitter. Criteria: Invitae Variant Classification Sherloc (09022015). Collection method: clinical testing. Allele origin: germline.
Comment: In summary, the available evidence is currently insufficient to determine the role of this variant in disease. Therefore, it has been classified as a Variant of Uncertain Significance. Algorithms developed to predict the effect of missense changes on protein structure and function (SIFT, PolyPhen-2, Align-GVGD) all suggest that this variant is likely to be tolerated. This variant has not been reported in the literature in individuals affected with CLPB-related conditions. This variant is present in population databases (rs755190312, gnomAD 0.008%). This sequence change replaces methionine, which is neutral and non-polar, with leucine, which is neutral and non-polar, at codon 115 of the CLPB protein (p.Met115Leu).